The following is an entry in ClinVar:

ClinVar aggregate classification (germline): Conflicting classifications of pathogenicity. Review status: criteria provided, conflicting classifications (1 of 4 stars). 3 submissions from 3 submitters: Uncertain significance (1); Benign (1); Likely benign (1). Last evaluated 2026-02-04.

Conditions:
Hepatitis B virus, susceptibility to. Also called: HBV, SUSCEPTIBILITY TO. Identifiers: MedGen C1864880, MONDO:0012488, OMIM 610424.
Immunodeficiency 45 (IMD45). Identifiers: MedGen C4225252, MONDO:0014727, OMIM 616669.

Allele frequency attached by ClinVar (database versions not stated): ESP Exome Variant Server 0.00008; gnomAD 0.00014 and 0.00017; gnomAD exomes 0.00014 and 0.00050; TOPMed 0.00023; ExAC 0.00053; 1000 Genomes Project 0.00080; 1000 Genomes Project 30x 0.00109.
gnomAD v4.1: 229 of 1,607,854 alleles (0.014%); highest among the groups gnomAD compares: East Asian, 0.38%; 1 homozygote.

Submissions (3):

Labcorp Genetics (formerly Invitae), Labcorp
Classification: Benign. Last evaluated: 2026-02-04. Review status: criteria provided, single submitter. Criteria: Invitae Variant Classification Sherloc (09022015). Collection method: clinical testing. Allele origin: germline.

Blueprint Genetics
Classification: Likely benign. Last evaluated: 2024-09-19. Review status: criteria provided, single submitter. Criteria: ACMG Guidelines, 2015. Collection method: clinical testing. Allele origin: germline.

Center for Genomics, Ann and Robert H. Lurie Children's Hospital of Chicago
Classification: Uncertain significance for Immunodeficiency 45; Hepatitis B virus, susceptibility to. Review status: criteria provided, single submitter. Criteria: ACMG Guidelines, 2015. Collection method: clinical testing. Allele origin: germline.
Comment: IFNAR2 NM_207585.2 exon 6 p.Val169Ile (c.505G>A): This variant has not been reported in the literature but is present in 0.4% (23/5198) of East Asian alleles in the Genome Aggregation Database. This variant amino acid Isoleucine (Ile) is present in several species including mammals and is not well conserved among evolutionarily distant species; this suggests that this variant may not impact the protein. Additional computational prediction tools do not suggest an impact. In summary, data on this variant is insufficient for disease classification. Therefore, the clinical significance of this variant is uncertain.

NM_001289125.3(IFNAR2):c.505G>A (p.Val169Ile)

Genes: IFNAR2 (interferon alpha and beta receptor subunit 2; plus strand), IFNAR2-IL10RB (IFNAR2-IL10RB readthrough; plus strand). Cytogenetic location: 21q22.11.
Variant type: single nucleotide variant.
Coding change: c.505G>A on transcript NM_001289125.3 (MANE Select); coding-DNA position 505, G replaced by A.
Protein change: p.Val169Ile; replaces valine 169 with isoleucine.
Molecular consequence: missense variant.
Genome position (GRCh38, 1-based): chr21:33,248,819, G>A. VCF-style: chr21-33248819-G-A. GRCh37 (hg19) VCF-style: chr21-34621124-G-A.
Other names: c.505G>A, p.Val169Ile (NM_000874.5, NM_001289126.2, NM_001289128.2 and 4 more transcripts); short protein forms V169I.
Identifiers: ClinVar variation 1673082 (VCV001673082.10), dbSNP rs140533677, ClinGen allele CA10005674.